The following is an entry in ClinVar:

ClinVar aggregate classification (germline): Benign/Likely benign. Review status: criteria provided, multiple submitters, no conflicts (2 of 4 stars). 6 submissions from 6 submitters: Benign (2); Likely benign (4). Last evaluated 2025-10-29.

Conditions:
Charcot-Marie-Tooth disease axonal type 2F (CMT2F). Also called: Charcot-Marie-Tooth Neuropathy Type 2F; CHARCOT-MARIE-TOOTH DISEASE, NEURONAL, TYPE 2F. Identifiers: Orphanet 99940, MedGen C1847823, MONDO:0011687, OMIM 606595.
Inborn genetic diseases. Identifiers: MedGen C0950123, MeSH D030342.
HSPB1-related disorder. Also called: HSPB1-related disorders; HSPB1-related condition.

Allele frequency attached by ClinVar (database versions not stated): gnomAD 0.00049 and 0.00042; ESP Exome Variant Server 0.00054; TOPMed 0.00054; 1000 Genomes Project 0.00060; 1000 Genomes Project 30x 0.00078.
gnomAD v4.1: 151 of 1,613,824 alleles (0.0094%); highest among the groups gnomAD compares: African/African-American, 0.16%; 1 homozygote.

Submissions (6):

Labcorp Genetics (formerly Invitae), Labcorp
Classification: Likely benign for Charcot-Marie-Tooth disease axonal type 2F. Last evaluated: 2025-10-29. Review status: criteria provided, single submitter. Criteria: Invitae Variant Classification Sherloc (09022015). Collection method: clinical testing. Allele origin: germline.

PreventionGenetics, part of Exact Sciences
Classification: Likely benign for HSPB1-related condition. Last evaluated: 2025-05-07. Review status: criteria provided, single submitter. Criteria: ACMG Guidelines, 2015. Collection method: clinical testing. Allele origin: germline.
Comment: This variant is classified as likely benign based on ACMG/AMP sequence variant interpretation guidelines (Richards et al. 2015 PMID: 25741868, with internal and published modifications).

CeGaT Center for Human Genetics Tuebingen
Classification: Benign. Last evaluated: 2022-07-01. Review status: criteria provided, single submitter. Criteria: CeGaT Center For Human Genetics Tuebingen Variant Classification Criteria Version 2. Collection method: clinical testing. Allele origin: germline. Affected: yes. Observed: 1 variant allele.
Comment: HSPB1: BS1, BS2

Athena Diagnostics
Classification: Benign. Last evaluated: 2020-11-03. Review status: criteria provided, single submitter. Criteria: Athena Diagnostics criteria. Collection method: clinical testing. Allele origin: unknown.

Ambry Genetics
Classification: Likely benign for Inborn genetic diseases. Last evaluated: 2019-07-11. Review status: criteria provided, single submitter. Criteria: Ambry Variant Classification Scheme 2023. Collection method: clinical testing. Allele origin: germline.

GeneDx
Classification: Likely benign. Last evaluated: 2018-03-07. Review status: criteria provided, single submitter. Criteria: GeneDx Variant Classification (06012015). Collection method: clinical testing. Allele origin: germline. Affected: yes.
Comment: This variant is considered likely benign or benign based on one or more of the following criteria: it is a conservative change, it occurs at a poorly conserved position in the protein, it is predicted to be benign by multiple in silico algorithms, and/or has population frequency not consistent with disease.

NM_001540.5(HSPB1):c.438C>T (p.Pro146=)

Gene: HSPB1 (heat shock protein family B (small) member 1; plus strand). Cytogenetic location: 7q11.23.
Variant type: single nucleotide variant.
Coding change: c.438C>T on transcript NM_001540.5 (MANE Select); coding-DNA position 438, C replaced by T.
Protein change: p.Pro146=; no amino-acid change (proline 146 retained).
Molecular consequence: synonymous variant.
Genome position (GRCh38, 1-based): chr7:76,303,993, C>T. VCF-style: chr7-76303993-C-T. GRCh37 (hg19) VCF-style: chr7-75933310-C-T.
Other names: c.438C>T (LRG_248t1).
Identifiers: ClinVar variation 515995 (VCV000515995.45), dbSNP rs7805625, ClinGen allele CA4306421.